The following is an entry in ClinVar:

NM_003002.4(SDHD):c.35G>T (p.Gly12Val)

Genes: SDHD (succinate dehydrogenase complex subunit D; plus strand), LOC126861339 (BRD4-independent group 4 enhancer GRCh37_chr11:111957035-111958234; plus strand). Cytogenetic location: 11q23.1.
Variant type: single nucleotide variant.
Coding change: c.35G>T on transcript NM_003002.4 (MANE Select); coding-DNA position 35, G replaced by T.
Protein change: p.Gly12Val; replaces glycine 12 with valine.
Molecular consequence: missense variant. On other transcripts: non-coding transcript variant (1).
Genome position (GRCh38, 1-based): chr11:112,086,942, G>T. VCF-style: chr11-112086942-G-T. GRCh37 (hg19) VCF-style: chr11-111957666-G-T.
Other names: c.35G>T, p.Gly12Val (NM_001276503.2, NM_001276504.2, NM_001276506.2); short protein forms G12V.
Identifiers: ClinVar variation 1463345 (VCV001463345.6), dbSNP rs764384503, ClinGen allele CA382616715.

ClinVar aggregate classification (germline): Uncertain significance (1 of 4 stars; one submission).

Conditions:
Carney-Stratakis syndrome. Also called: PARAGANGLIOMA AND GASTROINTESTINAL STROMAL TUMOR. Identifiers: Orphanet 97286, MedGen C1847319, MONDO:0011740, OMIM 606864.
Cowden syndrome 3 (CWS3). Identifiers: Orphanet 201, MedGen CN166604, MONDO:0014045.
Pheochromocytoma. Also called: MAX-Related Hereditary Paraganglioma-Pheochromocytoma Syndrome. Identifiers: Orphanet 29072, MedGen C0031511, MONDO:0008233, OMIM 171300, HP:0002666.
Paragangliomas with sensorineural hearing loss. Identifiers: MedGen C1868633.

Submission:

Labcorp Genetics (formerly Invitae), Labcorp
Classification: Uncertain significance for Carney-Stratakis syndrome; Paragangliomas with sensorineural hearing loss; Pheochromocytoma; Cowden syndrome 3. Last evaluated: 2024-11-04. Review status: criteria provided, single submitter. Criteria: Invitae Variant Classification Sherloc (09022015). Collection method: clinical testing. Allele origin: germline.
Comment: This sequence change replaces glycine, which is neutral and non-polar, with valine, which is neutral and non-polar, at codon 12 of the SDHD protein (p.Gly12Val). This variant is not present in population databases (gnomAD no frequency). This variant has not been reported in the literature in individuals affected with SDHD-related conditions. ClinVar contains an entry for this variant (Variation ID: 1463345). Invitae Evidence Modeling of protein sequence and biophysical properties (such as structural, functional, and spatial information, amino acid conservation, physicochemical variation, residue mobility, and thermodynamic stability) indicates that this missense variant is not expected to disrupt SDHD protein function with a negative predictive value of 80%. In summary, the available evidence is currently insufficient to determine the role of this variant in disease. Therefore, it has been classified as a Variant of Uncertain Significance.